The following is an entry in ClinVar:

ClinVar aggregate classification (germline): Uncertain significance. Review status: criteria provided, multiple submitters, no conflicts (2 of 4 stars). 3 submissions from 3 submitters: Uncertain significance (3). Last evaluated 2024-05-22.

Conditions:
3-methylglutaconic aciduria type 9. Also called: 3-METHYLGLUTACONIC ACIDURIA, TYPE IX. Identifiers: Orphanet 505216, MedGen C4540171, MONDO:0044724, OMIM 617698.
Inborn genetic diseases. Identifiers: MedGen C0950123, MeSH D030342.

Allele frequency attached by ClinVar (database versions not stated): ExAC 0.00001; gnomAD exomes 0.00001; gnomAD 0.00003 and 0.00004; TOPMed 0.00003.
gnomAD v4.1: 16 of 1,614,050 alleles (0.00099%); highest among the groups gnomAD compares: Middle Eastern, 0.016%; no homozygotes.

Submissions (3):

Labcorp Genetics (formerly Invitae), Labcorp
Classification: Uncertain significance. Last evaluated: 2024-05-22. Review status: criteria provided, single submitter. Criteria: Invitae Variant Classification Sherloc (09022015). Collection method: clinical testing. Allele origin: germline.
Comment: This sequence change replaces arginine, which is basic and polar, with tryptophan, which is neutral and slightly polar, at codon 323 of the TIMM50 protein (p.Arg323Trp). This variant is present in population databases (rs766277051, gnomAD 0.003%). This variant has not been reported in the literature in individuals affected with TIMM50-related conditions. ClinVar contains an entry for this variant (Variation ID: 1488878). Advanced modeling of protein sequence and biophysical properties (such as structural, functional, and spatial information, amino acid conservation, physicochemical variation, residue mobility, and thermodynamic stability) performed at Invitae indicates that this missense variant is expected to disrupt TIMM50 protein function with a positive predictive value of 80%. In summary, the available evidence is currently insufficient to determine the role of this variant in disease. Therefore, it has been classified as a Variant of Uncertain Significance.

Ambry Genetics
Classification: Uncertain significance for Inborn genetic diseases. Last evaluated: 2024-01-22. Review status: criteria provided, single submitter. Criteria: Ambry Variant Classification Scheme 2023. Collection method: clinical testing. Allele origin: germline.

Fulgent Genetics
Classification: Uncertain significance for 3-methylglutaconic aciduria type 9. Last evaluated: 2024-01-22. Review status: criteria provided, single submitter. Criteria: ACMG Guidelines, 2015. Collection method: clinical testing. Allele origin: germline.

NM_001001563.5(TIMM50):c.658C>T (p.Arg220Trp)

Gene: TIMM50 (translocase of inner mitochondrial membrane 50; plus strand). Cytogenetic location: 19q13.2.
Variant type: single nucleotide variant.
Coding change: c.658C>T on transcript NM_001001563.5 (MANE Select); coding-DNA position 658, C replaced by T.
Protein change: p.Arg220Trp; replaces arginine 220 with tryptophan.
Molecular consequence: missense variant.
Genome position (GRCh38, 1-based): chr19:39,486,457, C>T. VCF-style: chr19-39486457-C-T. GRCh37 (hg19) VCF-style: chr19-39977097-C-T.
Other names: c.319C>T, p.Arg107Trp (NM_001329559.2); c.967C>T (NM_001001563.1); short protein forms R107W, R220W.
Identifiers: ClinVar variation 1488878 (VCV001488878.8), dbSNP rs766277051, ClinGen allele CA9431922.